The following is an entry in ClinVar:

NM_147127.5(EVC2):c.3535C>T (p.Gln1179Ter)

Gene: EVC2 (EvC ciliary complex subunit 2; minus strand). Cytogenetic location: 4p16.2.
Variant type: single nucleotide variant.
Coding change: c.3535C>T on transcript NM_147127.5 (MANE Select); coding-DNA position 3535, C replaced by T.
Protein change: p.Gln1179Ter; replaces glutamine 1179 with a stop codon.
Molecular consequence: nonsense.
Genome position (GRCh38, 1-based): chr4:5,568,466, G>A on the plus strand (C>T on the coding strand, the complement: EVC2 is on the minus strand). VCF-style: chr4-5568466-G-A. GRCh37 (hg19) VCF-style: chr4-5570193-G-A.
Other names: c.3295C>T, p.Gln1099Ter (NM_001166136.2); short protein forms Q1099*, Q1179*.
Identifiers: ClinVar variation 1725939 (VCV001725939.2), dbSNP rs2475182808, ClinGen allele CA356149020.

ClinVar aggregate classification (germline): Likely pathogenic (1 of 4 stars; one submission).

Conditions:
Ellis-van Creveld syndrome (EVC). Also called: EVC-Related Ellis-van Creveld Syndrome; EVC2-Related Ellis-van Creveld Syndrome; MESOECTODERMAL DYSPLASIA; Chondroectodermal dysplasia. Identifiers: Orphanet 289, MedGen C0013903, MONDO:0009162, OMIM 225500.

gnomAD v4.1: 2 of 1,569,892 alleles (0.00013%); highest among the groups gnomAD compares: Non-Finnish European, 0.00017%; no homozygotes.

Submission:

Myriad Genetics, Inc.
Classification: Likely pathogenic for Ellis-van Creveld syndrome. Last evaluated: 2022-04-20. Review status: criteria provided, single submitter. Criteria: Myriad Women's Health Autosomal Recessive and X-Linked Classification Criteria (2021). Collection method: clinical testing. Allele origin: unknown.
Comment: NM_147127.4(EVC2):c.3535C>T(Q1179*) is expected to be pathogenic in the context of EVC2-related Ellis-van Creveld syndrome. This variant is predicted to lead to an abnormal or absent protein product due to the creation of a premature termination codon in EVC2, a gene where loss-of-function variants are known to be pathogenic. Please note: this variant was assessed in the context of healthy population screening.